The following is an entry in ClinVar:

ClinVar aggregate classification (germline): Uncertain significance. Review status: criteria provided, multiple submitters, no conflicts (2 of 4 stars). 2 submissions from 2 submitters: Uncertain significance (2). Last evaluated 2026-01-15.

Conditions:
Primary dilated cardiomyopathy (DCM). Also called: Dilated Cardiomyopathy. Identifiers: Orphanet 217604, MedGen C0007193, MeSH D002311, MONDO:0005021, HP:0001644. Inheritance: Various modes of inheritance.

Allele frequency attached by ClinVar (database versions not stated): ExAC 0.00001; gnomAD exomes 0.00001; gnomAD 0.00003; TOPMed 0.00003.
gnomAD v4.1: 29 of 1,613,868 alleles (0.0018%); highest among the groups gnomAD compares: Admixed American, 0.005%; no homozygotes.

Submissions (2):

Labcorp Genetics (formerly Invitae), Labcorp
Classification: Uncertain significance for Primary dilated cardiomyopathy. Last evaluated: 2026-01-15. Review status: criteria provided, single submitter. Criteria: Invitae Variant Classification Sherloc (09022015). Collection method: clinical testing. Allele origin: germline.
Comment: This sequence change replaces valine, which is neutral and non-polar, with methionine, which is neutral and non-polar, at codon 801 of the NEBL protein (p.Val801Met). This variant is present in population databases (rs772136984, gnomAD 0.004%). This variant has not been reported in the literature in individuals affected with NEBL-related conditions. ClinVar contains an entry for this variant (Variation ID: 454268). An algorithm developed to predict the effect of missense changes on protein structure and function outputs the following: PolyPhen-2: "Benign". The methionine amino acid residue is found in multiple mammalian species, which suggests that this missense change does not adversely affect protein function. In summary, the available evidence is currently insufficient to determine the role of this variant in disease. Therefore, it has been classified as a Variant of Uncertain Significance.

Ambry Genetics
Classification: Uncertain significance. Last evaluated: 2024-03-22. Review status: criteria provided, single submitter. Criteria: Ambry Variant Classification Scheme 2023. Collection method: clinical testing. Allele origin: germline.
Comment: The p.V801M variant (also known as c.2401G>A), located in coding exon 24 of the NEBL gene, results from a G to A substitution at nucleotide position 2401. The valine at codon 801 is replaced by methionine, an amino acid with highly similar properties. This amino acid position is conserved. In addition, this alteration is predicted to be tolerated by in silico analysis. Since supporting evidence is limited at this time, the clinical significance of this alteration remains unclear.

NM_006393.3(NEBL):c.2401G>A (p.Val801Met)

Gene: NEBL (nebulette; minus strand). Cytogenetic location: 10p12.31.
Variant type: single nucleotide variant.
Coding change: c.2401G>A on transcript NM_006393.3 (MANE Select); coding-DNA position 2401, G replaced by A.
Protein change: p.Val801Met; replaces valine 801 with methionine.
Molecular consequence: missense variant.
Genome position (GRCh38, 1-based): chr10:20,812,886, C>T on the plus strand (G>A on the coding strand, the complement: NEBL is on the minus strand). VCF-style: chr10-20812886-C-T. GRCh37 (hg19) VCF-style: chr10-21101815-C-T.
Other names: c.412G>A, p.Val138Met (NM_001173484.2, NM_001377322.1, NM_213569.2); c.364G>A, p.Val122Met (NM_001377323.1); c.355G>A, p.Val119Met (NM_001377324.1); c.346G>A, p.Val116Met (NM_001377325.1); c.304G>A, p.Val102Met (NM_001377326.1, NM_001377327.1, NM_001377328.1); short protein forms V138M, V801M, V102M, V116M, V119M, V122M.
Identifiers: ClinVar variation 454268 (VCV000454268.12), dbSNP rs772136984, ClinGen allele CA5432489.